The following is an entry in ClinVar:

ClinVar aggregate classification (germline): Uncertain significance. Review status: criteria provided, multiple submitters, no conflicts (2 of 4 stars). 3 submissions from 3 submitters: Uncertain significance (3). Last evaluated 2025-01-27.

Conditions:
Inborn genetic diseases. Identifiers: MedGen C0950123, MeSH D030342.

Allele frequency attached by ClinVar (database versions not stated): TOPMed below 0.00001.

Submissions (3):

Ambry Genetics
Classification: Uncertain significance for Inborn genetic diseases. Last evaluated: 2025-01-27. Review status: criteria provided, single submitter. Criteria: Ambry Variant Classification Scheme 2023. Collection method: clinical testing. Allele origin: germline.
Comment: The p.D375V variant (also known as c.1124A>T), located in coding exon 10 of the ANKRD26 gene, results from an A to T substitution at nucleotide position 1124. The aspartic acid at codon 375 is replaced by valine, an amino acid with highly dissimilar properties. This amino acid position is conserved. In addition, this alteration is predicted to be tolerated by in silico analysis. Based on the available evidence, the clinical significance of this variant remains unclear.

Labcorp Genetics (formerly Invitae), Labcorp
Classification: Uncertain significance. Last evaluated: 2023-06-12. Review status: criteria provided, single submitter. Criteria: Invitae Variant Classification Sherloc (09022015). Collection method: clinical testing. Allele origin: germline.
Comment: This sequence change replaces aspartic acid, which is acidic and polar, with valine, which is neutral and non-polar, at codon 375 of the ANKRD26 protein (p.Asp375Val). This variant is present in population databases (no rsID available, gnomAD 0.007%). This variant has not been reported in the literature in individuals affected with ANKRD26-related conditions. An algorithm developed to predict the effect of missense changes on protein structure and function (PolyPhen-2) suggests that this variant is likely to be tolerated. In summary, the available evidence is currently insufficient to determine the role of this variant in disease. Therefore, it has been classified as a Variant of Uncertain Significance.

GeneDx
Classification: Uncertain significance. Last evaluated: 2023-03-06. Review status: criteria provided, single submitter. Criteria: GeneDx Variant Classification Process June 2021. Collection method: clinical testing. Allele origin: germline. Affected: yes.
Comment: Not observed at significant frequency in large population cohorts (gnomAD); In silico analysis supports that this missense variant has a deleterious effect on protein structure/function; Has not been previously published as pathogenic or benign to our knowledge

NM_014915.3(ANKRD26):c.1124A>T (p.Asp375Val)

Gene: ANKRD26 (ankyrin repeat domain 26; minus strand). Cytogenetic location: 10p12.1.
Variant type: single nucleotide variant.
Coding change: c.1124A>T on transcript NM_014915.3 (MANE Select); coding-DNA position 1124, A replaced by T.
Protein change: p.Asp375Val; replaces aspartic acid 375 with valine.
Molecular consequence: missense variant.
Genome position (GRCh38, 1-based): chr10:27,067,240, T>A on the plus strand (A>T on the coding strand, the complement: ANKRD26 is on the minus strand). VCF-style: chr10-27067240-T-A. GRCh37 (hg19) VCF-style: chr10-27356169-T-A.
Other names: c.1124A>T, p.Asp375Val (NM_001256053.2); short protein forms D375V.
Identifiers: ClinVar variation 2579476 (VCV002579476.5), dbSNP rs1352505867, ClinGen allele CA376359964.